The following is an entry in ClinVar:

ClinVar aggregate classification (germline): Uncertain significance. Review status: criteria provided, multiple submitters, no conflicts (2 of 4 stars). 2 submissions from 2 submitters: Uncertain significance (2). Last evaluated 2025-05-20.

Conditions:
Spastic paraplegia. Identifiers: MedGen C0037772, HP:0001258.
Inborn genetic diseases. Identifiers: MedGen C0950123, MeSH D030342.

Allele frequency attached by ClinVar (database versions not stated): gnomAD 0.00002 and 0.00003; gnomAD exomes below 0.00001.
gnomAD v4.1: 10 of 1,613,830 alleles (0.00062%); highest among the groups gnomAD compares: Admixed American, 0.01%; no homozygotes.

Submissions (2):

Ambry Genetics
Classification: Uncertain significance for Inborn genetic diseases. Last evaluated: 2025-05-20. Review status: criteria provided, single submitter. Criteria: Ambry Variant Classification Scheme 2023. Collection method: clinical testing. Allele origin: germline.

Labcorp Genetics (formerly Invitae), Labcorp
Classification: Uncertain significance for Spastic paraplegia. Last evaluated: 2019-04-20. Review status: criteria provided, single submitter. Criteria: Invitae Variant Classification Sherloc (09022015). Collection method: clinical testing. Allele origin: germline.
Comment: This sequence change replaces histidine with tyrosine at codon 343 of the FA2H protein (p.His343Tyr). The histidine residue is moderately conserved and there is a moderate physicochemical difference between histidine and tyrosine. This variant is not present in population databases (ExAC no frequency). This variant has not been reported in the literature in individuals with FA2H-related conditions. Algorithms developed to predict the effect of missense changes on protein structure and function output the following: SIFT: "Tolerated"; PolyPhen-2: "Benign"; Align-GVGD: "Class C0". The tyrosine amino acid residue is found in multiple mammalian species, suggesting that this missense change does not adversely affect protein function. These predictions have not been confirmed by published functional studies and their clinical significance is uncertain. In summary, the available evidence is currently insufficient to determine the role of this variant in disease. Therefore, it has been classified as a Variant of Uncertain Significance.

NM_024306.5(FA2H):c.1027C>T (p.His343Tyr)

Gene: FA2H (fatty acid 2-hydroxylase; minus strand). Cytogenetic location: 16q23.1.
Variant type: single nucleotide variant.
Coding change: c.1027C>T on transcript NM_024306.5 (MANE Select); coding-DNA position 1027, C replaced by T.
Protein change: p.His343Tyr; replaces histidine 343 with tyrosine.
Molecular consequence: missense variant.
Genome position (GRCh38, 1-based): chr16:74,716,359, G>A on the plus strand (C>T on the coding strand, the complement: FA2H is on the minus strand). VCF-style: chr16-74716359-G-A. GRCh37 (hg19) VCF-style: chr16-74750257-G-A.
Other names: short protein forms H343Y.
Identifiers: ClinVar variation 967482 (VCV000967482.4), dbSNP rs948211737, ClinGen allele CA283758327.
Genomic context (GRCh38, chr16:74,716,359, plus strand): 5'-AATCAATGAACACACATAGGGGGCTGGGAAGCACAGGCCCATCCTCACCTGACTTCTGAT[G>A]TGCAAAGTGGTGCTTGACGTGGTGGGCCTTCAGGCTGTACAGGTAGGAGCCCTTGTGCGG-3'
Protein context (NP_077282.3, residues 333-353): KAHHVKHHFA[His343Tyr]QKSGFGISTK